The following is an entry in ClinVar:

NM_004698.4(PRPF3):c.1525_1526+1dup

Gene: PRPF3 (pre-mRNA processing factor 3; plus strand). Cytogenetic location: 1q21.2.
Variant type: Duplication.
Coding change: c.1525_1526+1dup on transcript NM_004698.4 (MANE Select); coding-DNA position 1525 through the canonical splice donor site of the intron after coding-DNA position 1526, 3 bases duplicated (AAG; older notation c.1525_1526+1dupAAG).
Molecular consequence: splice donor variant.
Genome position (GRCh38, 1-based): chr1:150,344,260-150,344,262, AAG duplicated; duplicating any 3 consecutive bases within chr1:150,344,258-150,344,262 gives the same sequence; the c. name uses the placement nearest the transcript's 3' end. VCF-style (leftmost placement, unchanged base first): chr1-150344257-C-CAGA. GRCh37 (hg19) VCF-style: chr1-150316733-C-CAGA.
Other names: c.1120_1121+1dup (NM_001350529.1).
Identifiers: ClinVar variation 3663568 (VCV003663568.2).

ClinVar aggregate classification (germline): Uncertain significance (1 of 4 stars; one submission).

Submission:

Labcorp Genetics (formerly Invitae), Labcorp
Classification: Uncertain significance. Last evaluated: 2024-09-13. Review status: criteria provided, single submitter. Criteria: Invitae Variant Classification Sherloc (09022015). Collection method: clinical testing. Allele origin: germline.
Comment: This variant, c.1525_1526+1dup, results in the insertion of 1 amino acid(s) of the PRPF3 protein (Splice site), but otherwise preserves the integrity of the reading frame. This variant is not present in population databases (gnomAD no frequency). This variant has not been reported in the literature in individuals affected with PRPF3-related conditions. Experimental studies and prediction algorithms are not available or were not evaluated, and the functional significance of this variant is currently unknown. In summary, the available evidence is currently insufficient to determine the role of this variant in disease. Therefore, it has been classified as a Variant of Uncertain Significance.